The following is an entry in ClinVar:

NM_016011.5(MECR):c.965-11A>G

Gene: MECR (mitochondrial trans-2-enoyl-CoA reductase; minus strand). Cytogenetic location: 1p35.3.
Variant type: single nucleotide variant.
Coding change: c.965-11A>G on transcript NM_016011.5 (MANE Select); 11 bases into the intron before coding-DNA position 965, A replaced by G.
Molecular consequence: intron variant.
Genome position (GRCh38, 1-based): chr1:29,194,190, T>C on the plus strand (A>G on the coding strand, the complement: MECR is on the minus strand). VCF-style: chr1-29194190-T-C. GRCh37 (hg19) VCF-style: chr1-29520702-T-C.
Other names: c.815-11A>G (NM_001349717.2); c.737-11A>G (NM_001024732.4, NM_001349714.2, NM_001349712.2 and 2 more transcripts); c.1049-11A>G (NM_001349716.2); c.1070-11A>G (NM_001349715.2).
Identifiers: ClinVar variation 489272 (VCV000489272.10), dbSNP rs374970921, ClinGen allele CA725553.

ClinVar aggregate classification (germline): Uncertain significance. Review status: criteria provided, multiple submitters, no conflicts (2 of 4 stars). 4 submissions from 4 submitters: Uncertain significance (4). Last evaluated 2026-08-01.

Conditions:
Dystonia, childhood-onset, with optic atrophy and basal ganglia abnormalities (DYTOABG). Also called: MECR-Related Neurologic Disorder; DYSTONIA 29, CHILDHOOD-ONSET. Identifiers: Orphanet 508093, MedGen C4310634, MONDO:0015003, OMIM 617282.

Allele frequency attached by ClinVar (database versions not stated): ExAC 0.00006; ESP Exome Variant Server 0.00008; gnomAD exomes 0.00008; TOPMed 0.00016; gnomAD 0.00020 and 0.00021.
gnomAD v4.1: 145 of 1,591,550 alleles (0.0091%); highest among the groups gnomAD compares: African/African-American, 0.032%; no homozygotes.

Submissions (6):

CeGaT Center for Human Genetics Tuebingen
Classification: Uncertain significance. Last evaluated: 2026-08-01. Review status: criteria provided, single submitter. Criteria: CeGaT Center For Human Genetics Tuebingen Variant Classification Criteria Version 2. Collection method: clinical testing. Allele origin: germline. Affected: yes. Observed: 1 variant allele.
Comment: MECR: PM2, PM3:Supporting, PP3

Labcorp Genetics (formerly Invitae), Labcorp
Classification: Uncertain significance. Last evaluated: 2025-11-04. Review status: criteria provided, single submitter. Criteria: Invitae Variant Classification Sherloc (09022015). Collection method: clinical testing. Allele origin: germline.
Comment: This sequence change falls in intron 9 of the MECR gene. It does not directly change the encoded amino acid sequence of the MECR protein. This variant is present in population databases (rs374970921, gnomAD 0.03%). This variant has not been reported in the literature in individuals affected with MECR-related conditions. ClinVar contains an entry for this variant (Variation ID: 489272). Algorithms developed to predict the effect of sequence changes on RNA splicing suggest that this variant may disrupt the consensus splice site. In summary, the available evidence is currently insufficient to determine the role of this variant in disease. Therefore, it has been classified as a Variant of Uncertain Significance.

Baylor Genetics
Classification: Uncertain significance for Dystonia, childhood-onset, with optic atrophy and basal ganglia abnormalities. Last evaluated: 2023-12-14. Review status: criteria provided, single submitter. Criteria: ACMG Guidelines, 2015. Collection method: clinical testing. Allele origin: unknown.

GeneDx
Classification: Uncertain significance. Last evaluated: 2017-12-27. Review status: criteria provided, single submitter. Criteria: GeneDx Variant Classification (06012015). Collection method: clinical testing. Allele origin: germline. Affected: yes.
Comment: The c.965-11A>G variant in the MECR gene has not been reported previously as a pathogenic variant nor as a benign variant, to our knowledge. This variant is predicted to create a new cryptic SAS in intron 9, and may cause abnormal gene splicing, however, in the absence of RNA/functional studies, the actual effect of c.965-11A>G in this individual is unknown. The c.965-11A>G variant is observed in 5/18450 (0.027%) alleles from individuals of East Asian background, and in 27/256506 total alleles in large population cohorts (Lek et al., 2016). We interpret c.965-11A>G as a variant of uncertain significance.

Dr. Peter K. Rogan Lab, Western University
No classification provided (evidence only). Condition: Malignant tumor of urinary bladder. Review status: no classification provided. Collection method: in vitro. Allele origin: not applicable. Functional consequence: retained intron. Not counted in ClinVar's aggregate classification.

Dr. Peter K. Rogan Lab, Western University
No classification provided (evidence only). Condition: Lymphoma. Review status: no classification provided. Collection method: in vitro. Allele origin: not applicable. Functional consequence: cryptic splice site, retained intron. Not counted in ClinVar's aggregate classification.